The following is an entry in ClinVar:

ClinVar aggregate classification (germline): Likely benign (1 of 4 stars; one submission).

Allele frequency attached by ClinVar (database versions not stated): gnomAD 0.03329 and 0.03849; TOPMed 0.04516; 1000 Genomes Project 30x 0.09697; 1000 Genomes Project 0.10264.
gnomAD v4.1: 5,934 of 152,164 alleles (3.9%); highest among the groups gnomAD compares: East Asian, 32%; 417 homozygotes.

Submission:

GeneDx
Classification: Likely benign. Last evaluated: 2018-06-14. Review status: criteria provided, single submitter. Criteria: GeneDx Variant Classification (06012015). Collection method: clinical testing. Allele origin: germline. Affected: yes.
Comment: This variant is considered likely benign or benign based on one or more of the following criteria: it is a conservative change, it occurs at a poorly conserved position in the protein, it is predicted to be benign by multiple in silico algorithms, and/or has population frequency not consistent with disease.

NM_000138.5(FBN1):c.3965-331G>A

Gene: FBN1 (fibrillin 1; minus strand). Cytogenetic location: 15q21.1.
Variant type: single nucleotide variant.
Coding change: c.3965-331G>A on transcript NM_000138.5 (MANE Select); 331 bases into the intron before coding-DNA position 3965, G replaced by A.
Molecular consequence: intron variant.
Genome position (GRCh38, 1-based): chr15:48,474,981, C>T on the plus strand (G>A on the coding strand, the complement: FBN1 is on the minus strand). VCF-style: chr15-48474981-C-T. GRCh37 (hg19) VCF-style: chr15-48767178-C-T.
Identifiers: ClinVar variation 681280 (VCV000681280.1), dbSNP rs11070643, ClinGen allele CA269520682.